The following is an entry in ClinVar:

ClinVar aggregate classification (germline): Uncertain significance (1 of 4 stars; one submission).

Conditions:
Arrhythmogenic cardiomyopathy with wooly hair and keratoderma. Also called: Carvajal syndrome; Dilated cardiomyopathy with woolly hair and keratoderma; Arrhythmogenic cardiomyopathy with woolly hair and keratoderma; PALMOPLANTAR KERATODERMA WITH LEFT VENTRICULAR CARDIOMYOPATHY AND WOOLLY HAIR. Identifiers: Orphanet 65282, MedGen C1854063, MONDO:0011581, OMIM 605676.
Arrhythmogenic right ventricular dysplasia 8 (ARVD8). Also called: Arrhythmogenic Right Ventricular Dysplasia/Cardiomyopathy 8; ARRHYTHMOGENIC RIGHT VENTRICULAR DYSPLASIA, FAMILIAL, 8; ARRHYTHMOGENIC RIGHT VENTRICULAR CARDIOMYOPATHY 8. Identifiers: MedGen C1843896, MONDO:0011831, OMIM 607450.

Allele frequency attached by ClinVar (database versions not stated): gnomAD exomes below 0.00001.
gnomAD v4.1: 2 of 1,614,114 alleles (0.00012%); highest among the groups gnomAD compares: Non-Finnish European, 0.00017%; no homozygotes.

Submission:

Labcorp Genetics (formerly Invitae), Labcorp
Classification: Uncertain significance for Arrhythmogenic cardiomyopathy with wooly hair and keratoderma; Arrhythmogenic right ventricular dysplasia 8. Last evaluated: 2022-08-13. Review status: criteria provided, single submitter. Criteria: Invitae Variant Classification Sherloc (09022015). Collection method: clinical testing. Allele origin: germline.
Comment: This sequence change replaces histidine, which is basic and polar, with glutamine, which is neutral and polar, at codon 1679 of the DSP protein (p.His1679Gln). This variant is not present in population databases (gnomAD no frequency). This variant has not been reported in the literature in individuals affected with DSP-related conditions. Algorithms developed to predict the effect of missense changes on protein structure and function output the following: SIFT: "Deleterious"; PolyPhen-2: "Benign"; Align-GVGD: "Class C0". The glutamine amino acid residue is found in multiple mammalian species, which suggests that this missense change does not adversely affect protein function. In summary, the available evidence is currently insufficient to determine the role of this variant in disease. Therefore, it has been classified as a Variant of Uncertain Significance.

NM_004415.4(DSP):c.5037C>G (p.His1679Gln)

Gene: DSP (desmoplakin; plus strand). Cytogenetic location: 6p24.3.
Variant type: single nucleotide variant.
Coding change: c.5037C>G on transcript NM_004415.4 (MANE Select); coding-DNA position 5037, C replaced by G.
Protein change: p.His1679Gln; replaces histidine 1679 with glutamine.
Molecular consequence: missense variant. On other transcripts: intron variant (2).
Genome position (GRCh38, 1-based): chr6:7,581,227, C>G. VCF-style: chr6-7581227-C-G. GRCh37 (hg19) VCF-style: chr6-7581460-C-G.
Other names: c.4050+987C>G (NM_001319034.2); c.3583-1415C>G (NM_001008844.3); short protein forms H1679Q.
Identifiers: ClinVar variation 1996015 (VCV001996015.4), dbSNP rs1759429694, ClinGen allele CA362687703.